The following is an entry in ClinVar:

Conditions:
Arteriohepatic dysplasia. Also called: Alagille Syndrome. Identifiers: Orphanet 52, MedGen C0085280, MeSH D016738, MONDO:0007318.

Submission:

Gilbert/Spinner Lab, Children's Hospital of Philadelphia
No classification provided (evidence only). Condition: Alagille syndrome. Review status: no classification provided. Collection method: research. Allele origin: not applicable. Functional consequence: functionally_abnormal.
ClinVar note: "not provided" was previously submitted as the classification for the variant. However, the classification appeared to be based only on an observation of functional data so it was converted to no classification on 2025-07-30.

NM_000214.3(JAG1):c.892A>T (p.Asn298Tyr)

Gene: JAG1 (jagged canonical Notch ligand 1; minus strand). Cytogenetic location: 20p12.2.
Variant type: single nucleotide variant.
Coding change: c.892A>T on transcript NM_000214.3 (MANE Select); coding-DNA position 892, A replaced by T.
Protein change: p.Asn298Tyr; replaces asparagine 298 with tyrosine.
Molecular consequence: missense variant.
Genome position (GRCh38, 1-based): chr20:10,652,245, T>A on the plus strand (A>T on the coding strand, the complement: JAG1 is on the minus strand). VCF-style: chr20-10652245-T-A. GRCh37 (hg19) VCF-style: chr20-10632893-T-A.
Other names: short protein forms N298Y.
Identifiers: ClinVar variation 3573168 (VCV003573168.2).
Genomic context (GRCh38, chr20:10,652,245, plus strand): 5'-CAGGGCCTGTGTTGCTACAAGTTCCCCCGTTGAGACACGGCTGATGAGTCCCACAGTAAT[T>A]GAGATCTGCCAAAAAGATCCTGGAGTCACTAAGAGACGCCTGTGAAGATGGCGAACCCAC-3'
Protein context (NP_000205.1, residues 288-308): WGGQLCDKDL[Asn298Tyr]YCGTHQPCLN